The following is an entry in ClinVar:

NM_000660.7(TGFB1):c.934C>T (p.His312Tyr)

Gene: TGFB1 (transforming growth factor beta 1; minus strand). Cytogenetic location: 19q13.2.
Variant type: single nucleotide variant.
Coding change: c.934C>T on transcript NM_000660.7 (MANE Select); coding-DNA position 934, C replaced by T.
Protein change: p.His312Tyr; replaces histidine 312 with tyrosine.
Molecular consequence: missense variant.
Genome position (GRCh38, 1-based): chr19:41,332,208, G>A on the plus strand (C>T on the coding strand, the complement: TGFB1 is on the minus strand). VCF-style: chr19-41332208-G-A. GRCh37 (hg19) VCF-style: chr19-41838113-G-A.
Other names: short protein forms H312Y.
Identifiers: ClinVar variation 1061718 (VCV001061718.9), dbSNP rs2123080343, ClinGen allele CA405998509.

ClinVar aggregate classification (germline): Uncertain significance (1 of 4 stars; one submission).

Submission:

Labcorp Genetics (formerly Invitae), Labcorp
Classification: Uncertain significance. Last evaluated: 2022-02-10. Review status: criteria provided, single submitter. Criteria: Invitae Variant Classification Sherloc (09022015). Collection method: clinical testing. Allele origin: germline.
Comment: This sequence change replaces histidine, which is basic and polar, with tyrosine, which is neutral and polar, at codon 312 of the TGFB1 protein (p.His312Tyr). This variant is not present in population databases (gnomAD no frequency). This variant has not been reported in the literature in individuals affected with TGFB1-related conditions. ClinVar contains an entry for this variant (Variation ID: 1061718). Algorithms developed to predict the effect of missense changes on protein structure and function are either unavailable or do not agree on the potential impact of this missense change (SIFT: "Tolerated"; PolyPhen-2: "Probably Damaging"; Align-GVGD: "Class C0"). In summary, the available evidence is currently insufficient to determine the role of this variant in disease. Therefore, it has been classified as a Variant of Uncertain Significance.